The following is an entry in ClinVar:

NM_000138.5(FBN1):c.143G>A (p.Gly48Glu)

Gene: FBN1 (fibrillin 1; minus strand). Cytogenetic location: 15q21.1.
Variant type: single nucleotide variant.
Coding change: c.143G>A on transcript NM_000138.5 (MANE Select); coding-DNA position 143, G replaced by A.
Protein change: p.Gly48Glu; replaces glycine 48 with glutamic acid.
Molecular consequence: missense variant.
Genome position (GRCh38, 1-based): chr15:48,644,627, C>T on the plus strand (G>A on the coding strand, the complement: FBN1 is on the minus strand). VCF-style: chr15-48644627-C-T. GRCh37 (hg19) VCF-style: chr15-48936824-C-T.
Other names: c.143G>A, p.Gly48Glu (NM_001406716.1, NM_001406717.1, NM_001406718.1); short protein forms G48E.
Identifiers: ClinVar variation 1959915 (VCV001959915.3), dbSNP rs1317580009, ClinGen allele CA392453506.

ClinVar aggregate classification (germline): Uncertain significance (1 of 4 stars; one submission).

Conditions:
Familial thoracic aortic aneurysm and aortic dissection (TAAD). Also called: Thoracic aortic aneurysms and dissections. Identifiers: Orphanet 91387, MedGen C4707243, MONDO:0019625.
Marfan syndrome (MFS). Also called: MARFAN SYNDROME, TYPE I; Marfan syndrome type 1; Marfan's syndrome; Marfan syndrome, classic; FBN1-Related Marfan Syndrome. Identifiers: Orphanet 284963, Orphanet 558, MedGen C0024796, MONDO:0007947, OMIM 154700.

Allele frequency attached by ClinVar (database versions not stated): TOPMed 0.00001.

Submission:

Labcorp Genetics (formerly Invitae), Labcorp
Classification: Uncertain significance for Marfan syndrome; Familial thoracic aortic aneurysm and aortic dissection. Last evaluated: 2025-06-05. Review status: criteria provided, single submitter. Criteria: Invitae Variant Classification Sherloc (09022015). Collection method: clinical testing. Allele origin: germline.
Comment: This sequence change replaces glycine, which is neutral and non-polar, with glutamic acid, which is acidic and polar, at codon 48 of the FBN1 protein (p.Gly48Glu). This variant is not present in population databases (gnomAD no frequency). This variant has not been reported in the literature in individuals affected with FBN1-related conditions. ClinVar contains an entry for this variant (Variation ID: 1959915). Invitae Evidence Modeling of protein sequence and biophysical properties (such as structural, functional, and spatial information, amino acid conservation, physicochemical variation, residue mobility, and thermodynamic stability) has been performed for this missense variant. However, the output from this modeling did not meet the statistical confidence thresholds required to predict the impact of this variant on FBN1 protein function. In summary, the available evidence is currently insufficient to determine the role of this variant in disease. Therefore, it has been classified as a Variant of Uncertain Significance.